The following is an entry in ClinVar:

NM_145059.3(FCSK):c.2870T>A (p.Val957Glu)

Gene: FCSK (fucose kinase; plus strand). Cytogenetic location: 16q22.1.
Variant type: single nucleotide variant.
Coding change: c.2870T>A on transcript NM_145059.3 (MANE Select); coding-DNA position 2870, T replaced by A.
Protein change: p.Val957Glu; replaces valine 957 with glutamic acid.
Molecular consequence: missense variant.
Genome position (GRCh38, 1-based): chr16:70,478,591, T>A. VCF-style: chr16-70478591-T-A. GRCh37 (hg19) VCF-style: chr16-70512494-T-A.
Other names: short protein forms V957E.
Identifiers: ClinVar variation 3665352 (VCV003665352.2).

ClinVar aggregate classification (germline): Uncertain significance (1 of 4 stars; one submission).

Submission:

Labcorp Genetics (formerly Invitae), Labcorp
Classification: Uncertain significance. Last evaluated: 2024-09-09. Review status: criteria provided, single submitter. Criteria: Invitae Variant Classification Sherloc (09022015). Collection method: clinical testing. Allele origin: germline.
Comment: This sequence change replaces valine, which is neutral and non-polar, with glutamic acid, which is acidic and polar, at codon 957 of the FUK protein (p.Val957Glu). This variant is not present in population databases (gnomAD no frequency). This variant has not been reported in the literature in individuals affected with FUK-related conditions. An algorithm developed to predict the effect of missense changes on protein structure and function (PolyPhen-2) suggests that this variant is likely to be disruptive. In summary, the available evidence is currently insufficient to determine the role of this variant in disease. Therefore, it has been classified as a Variant of Uncertain Significance.